The following is an entry in ClinVar:

NM_001129.5(AEBP1):c.2319C>T (p.Tyr773=)

Gene: AEBP1 (AE binding protein 1; plus strand). Cytogenetic location: 7p13.
Variant type: single nucleotide variant.
Coding change: c.2319C>T on transcript NM_001129.5 (MANE Select); coding-DNA position 2319, C replaced by T.
Protein change: p.Tyr773=; no amino-acid change (tyrosine 773 retained).
Molecular consequence: synonymous variant.
Genome position (GRCh38, 1-based): chr7:44,112,659, C>T. VCF-style: chr7-44112659-C-T. GRCh37 (hg19) VCF-style: chr7-44152258-C-T.
Other names: c.2319C>T (NM_001129.4).
Identifiers: ClinVar variation 2905708 (VCV002905708.6), dbSNP rs750031791, ClinGen allele CA4238176.

ClinVar aggregate classification (germline): Likely benign. Review status: criteria provided, multiple submitters, no conflicts (2 of 4 stars). 3 submissions from 3 submitters: Likely benign (2). 1 of the submissions does not count toward it. Last evaluated 2025-09-14.

Conditions:
AEBP1-related disorder. Also called: AEBP1-related condition.

Allele frequency attached by ClinVar (database versions not stated): TOPMed 0.00002; gnomAD 0.00003; ExAC 0.00006.
gnomAD v4.1: 53 of 1,613,122 alleles (0.0033%); highest among the groups gnomAD compares: Non-Finnish European, 0.0044%; no homozygotes.

Submissions (3):

Labcorp Genetics (formerly Invitae), Labcorp
Classification: Likely benign. Last evaluated: 2025-09-14. Review status: criteria provided, single submitter. Criteria: Invitae Variant Classification Sherloc (09022015). Collection method: clinical testing. Allele origin: germline.

Blueprint Genetics
Classification: Likely benign. Last evaluated: 2024-10-10. Review status: criteria provided, single submitter. Criteria: ACMG Guidelines, 2015. Collection method: clinical testing. Allele origin: germline.

PreventionGenetics, part of Exact Sciences
Classification: Likely benign for AEBP1-related condition. Last evaluated: 2022-02-04. Review status: no assertion criteria provided. Collection method: clinical testing. Allele origin: germline. Not counted in ClinVar's aggregate classification.
Comment: This variant is classified as likely benign based on ACMG/AMP sequence variant interpretation guidelines (Richards et al. 2015 PMID: 25741868, with internal and published modifications).